The following is an entry in ClinVar:

NM_015047.3(EMC1):c.2405G>A (p.Arg802His)

Genes: EMC1 (ER membrane protein complex subunit 1; minus strand), EMC1-AS1 (EMC1 antisense RNA 1; plus strand). Cytogenetic location: 1p36.13.
Variant type: single nucleotide variant.
Coding change: c.2405G>A on transcript NM_015047.3 (MANE Select); coding-DNA position 2405, G replaced by A.
Protein change: p.Arg802His; replaces arginine 802 with histidine.
Molecular consequence: missense variant.
Genome position (GRCh38, 1-based): chr1:19,222,806, C>T on the plus strand (G>A on the coding strand, the complement: EMC1 is on the minus strand). VCF-style: chr1-19222806-C-T. GRCh37 (hg19) VCF-style: chr1-19549300-C-T.
Other names: c.2402G>A, p.Arg801His (NM_001271427.2, NM_001271428.2); c.2339G>A, p.Arg780His (NM_001271429.2); c.2414G>A, p.Arg805His (NM_001375820.1); c.2411G>A, p.Arg804His (NM_001375821.1); short protein forms R801H, R802H, R805H, R804H, R780H.
Identifiers: ClinVar variation 1986365 (VCV001986365.5), dbSNP rs1313822295, ClinGen allele CA338754566.
Genomic context (GRCh38, chr1:19,222,806, plus strand): 5'-AAGGCGGTGGCGTTGTATTGCTCAGTGCCCTCATAGAGCTCCAGTACGGTAAACTCGTTG[C>T]GCCGAGCCTTGGTGTTCCAGTACTGGTACTGCAGGGATAGGAGGTGGCAGCTCAGGGCTT-3'
Protein context (NP_055862.1, residues 792-812): VYQYWNTKAR[Arg802His]NEFTVLELYE

ClinVar aggregate classification (germline): Uncertain significance. Review status: criteria provided, multiple submitters, no conflicts (2 of 4 stars). 2 submissions from 2 submitters: Uncertain significance (2). Last evaluated 2024-10-14.

Conditions:
Retinal dystrophy. Also called: Inherited retinal dystrophy. Identifiers: Orphanet 71862, MedGen C0854723, MeSH D058499, MONDO:0019118, HP:0000556.

Allele frequency attached by ClinVar (database versions not stated): gnomAD 0.00002.
gnomAD v4.1: 8 of 1,612,292 alleles (0.0005%); highest among the groups gnomAD compares: African/African-American, 0.004%; no homozygotes.

Submissions (2):

Labcorp Genetics (formerly Invitae), Labcorp
Classification: Uncertain significance. Last evaluated: 2024-10-14. Review status: criteria provided, single submitter. Criteria: Invitae Variant Classification Sherloc (09022015). Collection method: clinical testing. Allele origin: germline.
Comment: This sequence change replaces arginine, which is basic and polar, with histidine, which is basic and polar, at codon 802 of the EMC1 protein (p.Arg802His). This variant is present in population databases (no rsID available, gnomAD 0.01%). This variant has not been reported in the literature in individuals affected with EMC1-related conditions. ClinVar contains an entry for this variant (Variation ID: 1986365). Invitae Evidence Modeling of protein sequence and biophysical properties (such as structural, functional, and spatial information, amino acid conservation, physicochemical variation, residue mobility, and thermodynamic stability) indicates that this missense variant is expected to disrupt EMC1 protein function with a positive predictive value of 80%. In summary, the available evidence is currently insufficient to determine the role of this variant in disease. Therefore, it has been classified as a Variant of Uncertain Significance.

Dept Of Ophthalmology, Nagoya University
Classification: Uncertain significance for Retinal dystrophy. Last evaluated: 2023-10-01. Review status: criteria provided, single submitter. Criteria: Submitter's publication. Collection method: research. Allele origin: germline. Affected: yes.